The following is an entry in ClinVar:

ClinVar aggregate classification (germline): Uncertain significance (1 of 4 stars; one submission).

Conditions:
Epidermolytic nevus. Identifiers: Orphanet 497737, MedGen C1302848, MONDO:0044656.

Submission:

Clinical Genomics Laboratory, Washington University in St. Louis
Classification: Uncertain significance for Epidermolytic nevus. Last evaluated: 2023-10-16. Review status: criteria provided, single submitter. Criteria: ACMG Guidelines, 2015. Collection method: clinical testing. Allele origin: somatic.
Comment: The HRAS c.213+5G>A variant was identified at an allelic fraction consistent with somatic origin. This variant, to our knowledge, has not been reported in the medical literature. This variant is absent from the general population (gnomAD v.3.1.2), indicating it is not a common variant. Computational predictors indicate that the variant has no impact on splicing, evidence that this variant does not have a damaging effect on HRAS function. Due to limited information, and based on ACMG/AMP guidelines for variant interpretation (Richards S et al., PMID: 25741868), the clinical significance of this variant is uncertain at this time.

NM_005343.4(HRAS):c.450+181G>A

Genes: HRAS (HRas proto-oncogene, GTPase; minus strand), LRRC56 (leucine rich repeat containing 56; plus strand). Cytogenetic location: 11p15.5.
Variant type: single nucleotide variant.
Coding change: c.450+181G>A on transcript NM_005343.4 (MANE Select); 181 bases into the intron after coding-DNA position 450, G replaced by A.
Molecular consequence: intron variant.
Genome position (GRCh38, 1-based): chr11:533,272, C>T on the plus strand (G>A on the coding strand, the complement: HRAS is on the minus strand). VCF-style: chr11-533272-C-T. GRCh37 (hg19) VCF-style: chr11-533272-C-T.
Other names: c.450+181G>A (NM_001130442.3); c.213+5G>A (NM_001318054.2); c.*19+5G>A (NM_176795.5).
Identifiers: ClinVar variation 2672093 (VCV002672093.1), dbSNP rs2539789151, ClinGen allele CA2611690487.